The following is an entry in ClinVar:

ClinVar aggregate classification (germline): Uncertain significance (1 of 4 stars; one submission).

Conditions:
Hereditary cancer-predisposing syndrome. Also called: Tumor predisposition; Neoplastic Syndromes, Hereditary; Hereditary neoplastic syndrome; Hereditary Cancer Syndrome. Identifiers: Orphanet 140162, MedGen C0027672, MeSH D009386, MONDO:0015356.

Submission:

Ambry Genetics
Classification: Uncertain significance for Hereditary cancer-predisposing syndrome. Last evaluated: 2025-06-26. Review status: criteria provided, single submitter. Criteria: Ambry Variant Classification Scheme 2023. Collection method: clinical testing. Allele origin: germline.
Comment: The c.4007_4023dup17 variant, located in coding exon 10 of the MSH6 gene, results from a duplication of 17 nucleotides (TTTGCCTGGCTAGTGAA) at nucleotide positions 4007 to 4023, causing a translational frameshift with a predicted alternate stop codon (p.R1342Ffs*10). This alteration occurs at the 3' terminus of theMSH6 gene, is not expected to trigger nonsense-mediated mRNAdecay, and impacts the last 19 amino acids of the protein. The exact functional effect of this alteration is unknown. Based on the available evidence, the clinical significance of this variant remains unclear.

NM_000179.3(MSH6):c.4007_4023dup (p.Arg1342fs)

Gene: MSH6 (mutS homolog 6; plus strand). Cytogenetic location: 2p16.3.
Variant type: Duplication.
Coding change: c.4007_4023dup on transcript NM_000179.3 (MANE Select); coding-DNA positions 4007 to 4023, 17 bases duplicated (TTTGCCTGGCTAGTGAA).
Protein change: p.Arg1342fs; shifts the reading frame from arginine 1342.
Molecular consequence: frameshift variant. On other transcripts: no sequence alteration (4), non-coding transcript variant (5), 3 prime UTR variant (1).
Genome position (GRCh38, 1-based): chr2:47,806,784-47,806,800, TTTGCCTGGCTAGTGAA duplicated. VCF-style (leftmost placement, unchanged base first): chr2-47806783-G-GTTTGCCTGGCTAGTGAA. GRCh37 (hg19) VCF-style: chr2-48033922-G-GTTTGCCTGGCTAGTGAA.
Other names: c.4002_*4dup, p.Arg1334_Ter1338= (NM_001406808.1); c.4007_4023dup, p.Arg1342fs (NM_001406809.1, NM_001406796.1); c.3101_3117dup, p.Arg1040fs (NM_001406811.1, NM_001406812.1, NM_001406814.1 and 6 more transcripts); c.4013_4029dup, p.Arg1344fs (NM_001406813.1); c.2441_2457dup, p.Arg820fs (NM_001406817.1); c.3710_3726dup, p.Arg1243fs (NM_001406818.1, NM_001406819.1, NM_001406820.1 and 8 more transcripts); c.3839_3855dup, p.Arg1286fs (NM_001406826.1); c.3705_*4dup, p.Arg1235_Ter1239= (NM_001406822.1, NM_001406801.1); and 12 more; short protein forms R1316fs, R1342fs, R291fs, R657fs, R1212fs, R269fs, R820fs, R1040fs.
Identifiers: ClinVar variation 4111188 (VCV004111188.1).